The following is an entry in ClinVar:

ClinVar aggregate classification (germline): Uncertain significance. Review status: criteria provided, multiple submitters, no conflicts (2 of 4 stars). 2 submissions from 2 submitters: Uncertain significance (2). Last evaluated 2024-09-30.

Conditions:
Inborn genetic diseases. Identifiers: MedGen C0950123, MeSH D030342.

Allele frequency attached by ClinVar (database versions not stated): gnomAD exomes 0.00001.
gnomAD v4.1: 3 of 1,614,066 alleles (0.00019%); highest among the groups gnomAD compares: Admixed American, 0.0033%; no homozygotes.

Submissions (2):

Ambry Genetics
Classification: Uncertain significance for Inborn genetic diseases. Last evaluated: 2024-09-30. Review status: criteria provided, single submitter. Criteria: Ambry Variant Classification Scheme 2023. Collection method: clinical testing. Allele origin: germline.

Labcorp Genetics (formerly Invitae), Labcorp
Classification: Uncertain significance. Last evaluated: 2022-03-23. Review status: criteria provided, single submitter. Criteria: Invitae Variant Classification Sherloc (09022015). Collection method: clinical testing. Allele origin: germline.
Comment: This sequence change replaces serine, which is neutral and polar, with proline, which is neutral and non-polar, at codon 201 of the USH1C protein (p.Ser201Pro). This variant is present in population databases (no rsID available, gnomAD 0.003%). This variant has not been reported in the literature in individuals affected with USH1C-related conditions. Algorithms developed to predict the effect of missense changes on protein structure and function are either unavailable or do not agree on the potential impact of this missense change (SIFT: "Tolerated"; PolyPhen-2: "Possibly Damaging"; Align-GVGD: "Class C0"). In summary, the available evidence is currently insufficient to determine the role of this variant in disease. Therefore, it has been classified as a Variant of Uncertain Significance.

NM_153676.4(USH1C):c.601T>C (p.Ser201Pro)

Gene: USH1C (USH1 protein network component harmonin; minus strand). Cytogenetic location: 11p15.1.
Variant type: single nucleotide variant.
Coding change: c.601T>C on transcript NM_153676.4 (MANE Select); coding-DNA position 601, T replaced by C.
Protein change: p.Ser201Pro; replaces serine 201 with proline.
Molecular consequence: missense variant. On other transcripts: non-coding transcript variant (1).
Genome position (GRCh38, 1-based): chr11:17,526,420, A>G on the plus strand (T>C on the coding strand, the complement: USH1C is on the minus strand). VCF-style: chr11-17526420-A-G. GRCh37 (hg19) VCF-style: chr11-17547967-A-G.
Other names: c.601T>C, p.Ser201Pro (NM_001297764.2, NM_005709.4); c.601T>C (NM_005709.3); short protein forms S201P.
Identifiers: ClinVar variation 2153042 (VCV002153042.2), dbSNP rs1344788007, ClinGen allele CA379793668.